The following is an entry in ClinVar:

ClinVar aggregate classification (germline): Uncertain significance (1 of 4 stars; one submission).

Conditions:
Kabuki syndrome. Also called: NIIKAWA-KUROKI SYNDROME; Kabuki make-up syndrome. Identifiers: Orphanet 2322, MedGen C0796004, MONDO:0016512.

gnomAD v4.1: 1 of 1,569,440 alleles (0.000064%); highest among the groups gnomAD compares: African/African-American, 0.0014%; no homozygotes.

Submission:

Labcorp Genetics (formerly Invitae), Labcorp
Classification: Uncertain significance for Kabuki syndrome. Last evaluated: 2025-04-11. Review status: criteria provided, single submitter. Criteria: Invitae Variant Classification Sherloc (09022015). Collection method: clinical testing. Allele origin: germline.
Comment: This sequence change replaces glutamine, which is neutral and polar, with arginine, which is basic and polar, at codon 2848 of the KMT2D protein (p.Gln2848Arg). This variant is not present in population databases (gnomAD no frequency). This variant has not been reported in the literature in individuals affected with KMT2D-related conditions. Invitae Evidence Modeling of protein sequence and biophysical properties (such as structural, functional, and spatial information, amino acid conservation, physicochemical variation, residue mobility, and thermodynamic stability) indicates that this missense variant is not expected to disrupt KMT2D protein function with a negative predictive value of 95%. In summary, the available evidence is currently insufficient to determine the role of this variant in disease. Therefore, it has been classified as a Variant of Uncertain Significance.

NM_003482.4(KMT2D):c.8543A>G (p.Gln2848Arg)

Gene: KMT2D (lysine methyltransferase 2D; minus strand). Cytogenetic location: 12q13.12.
Variant type: single nucleotide variant.
Coding change: c.8543A>G on transcript NM_003482.4 (MANE Select); coding-DNA position 8543, A replaced by G.
Protein change: p.Gln2848Arg; replaces glutamine 2848 with arginine.
Molecular consequence: missense variant.
Genome position (GRCh38, 1-based): chr12:49,038,813, T>C on the plus strand (A>G on the coding strand, the complement: KMT2D is on the minus strand). VCF-style: chr12-49038813-T-C. GRCh37 (hg19) VCF-style: chr12-49432596-T-C.
Other names: short protein forms Q2848R.
Identifiers: ClinVar variation 4801226 (VCV004801226.1).
Genomic context (GRCh38, chr12:49,038,813, plus strand): 5'-ACTGGCTCACCAGGGCCTGGCAGACGGGTGGAAATTCCCGCCAACGGGGAACCTAGGGCT[T>C]GGCGGCCAAGTTCAGGTCCAGGAGTTGATGGAAAGCGAGCTGACATGGCAAATCGCATGG-3'
Protein context (NP_003473.3, residues 2838-2858): PSTPGPELGR[Gln2848Arg]ALGSPLAGIS